The following is an entry in ClinVar:

ClinVar aggregate classification (germline): Uncertain significance (1 of 4 stars; one submission).

Submission:

Labcorp Genetics (formerly Invitae), Labcorp
Classification: Uncertain significance. Last evaluated: 2018-05-22. Review status: criteria provided, single submitter. Criteria: Invitae Variant Classification Sherloc (09022015). Collection method: clinical testing. Allele origin: germline.
Comment: This sequence change falls in intron 13 of the IKBKAP gene. It does not directly change the encoded amino acid sequence of the IKBKAP protein, but it affects a nucleotide within the consensus splice site of the intron. This variant is not present in population databases (ExAC no frequency). This variant has not been reported in the literature in individuals with IKBKAP-related disease. Nucleotide substitutions within the consensus splice site are a relatively common cause of aberrant splicing (PMID: 17576681, 9536098). Algorithms developed to predict the effect of sequence changes on RNA splicing suggest that this variant may disrupt the consensus splice site, but this prediction has not been confirmed by published transcriptional studies. In summary, the available evidence is currently insufficient to determine the role of this variant in disease. Therefore, it has been classified as a Variant of Uncertain Significance.

Literature cited by the submitters: PubMed 17576681; PubMed 9536098.

NM_003640.5(ELP1):c.1460+3A>G

Gene: ELP1 (elongator acetyltransferase complex subunit 1; minus strand). Cytogenetic location: 9q31.3.
Variant type: single nucleotide variant.
Coding change: c.1460+3A>G on transcript NM_003640.5 (MANE Select); 3 bases into the intron after coding-DNA position 1460, A replaced by G.
Molecular consequence: intron variant.
Genome position (GRCh38, 1-based): chr9:108,908,302, T>C on the plus strand (A>G on the coding strand, the complement: ELP1 is on the minus strand). VCF-style: chr9-108908302-T-C. GRCh37 (hg19) VCF-style: chr9-111670582-T-C.
Other names: c.1460+3A>G (LRG_251t1); c.1118+3A>G (NM_001318360.2); c.413+3A>G (NM_001330749.2).
Identifiers: ClinVar variation 567074 (VCV000567074.3), dbSNP rs1564093432, ClinGen allele CA891842710.
Genomic context (GRCh38, chr9:108,908,302, plus strand): 5'-TGAATTTAGGACTGCATGCTGGCTGATTCTGTTCCCAGAAGCCCAAGATAATTAAGAACC[T>C]ACTTGTATCTCTTTTCCAAATGAGGAGTTCTAAGGCAAACTTTAAATCCACTTCCACCCA-3'